The following is an entry in ClinVar:

NM_001009925.2(TMEM230):c.139G>A (p.Ala47Thr)

Gene: TMEM230 (transmembrane protein 230; minus strand). Cytogenetic location: 20p12.3.
Variant type: single nucleotide variant.
Coding change: c.139G>A on transcript NM_001009925.2 (MANE Select); coding-DNA position 139, G replaced by A.
Protein change: p.Ala47Thr; replaces alanine 47 with threonine.
Molecular consequence: missense variant.
Genome position (GRCh38, 1-based): chr20:5,106,271, C>T on the plus strand (G>A on the coding strand, the complement: TMEM230 is on the minus strand). VCF-style: chr20-5106271-C-T. GRCh37 (hg19) VCF-style: chr20-5086917-C-T.
Other names: c.139G>A, p.Ala47Thr (NM_001009924.2, NM_001330984.2, NM_001330985.2 and 4 more transcripts); short protein forms A47T.
Identifiers: ClinVar variation 3723697 (VCV003723697.2).

ClinVar aggregate classification (germline): Uncertain significance (1 of 4 stars; one submission).

gnomAD v4.1: 38 of 1,613,694 alleles (0.0024%); highest among the groups gnomAD compares: Middle Eastern, 0.016%; no homozygotes.

Submission:

Labcorp Genetics (formerly Invitae), Labcorp
Classification: Uncertain significance. Last evaluated: 2024-06-26. Review status: criteria provided, single submitter. Criteria: Invitae Variant Classification Sherloc (09022015). Collection method: clinical testing. Allele origin: germline.
Comment: This sequence change replaces alanine, which is neutral and non-polar, with threonine, which is neutral and polar, at codon 110 of the TMEM230 protein (p.Ala110Thr). This variant is present in population databases (no rsID available, gnomAD 0.002%). This missense change has been observed in individual(s) with Parkinson disease (PMID: 28370613). An algorithm developed to predict the effect of missense changes on protein structure and function (PolyPhen-2) suggests that this variant is likely to be disruptive. In summary, the available evidence is currently insufficient to determine the role of this variant in disease. Therefore, it has been classified as a Variant of Uncertain Significance.

Literature cited by the submitters: PubMed 28370613.